The following is an entry in ClinVar:

NM_006372.5(SYNCRIP):c.1185C>G (p.Asp395Glu)

Gene: SYNCRIP (synaptotagmin binding cytoplasmic RNA interacting protein; minus strand). Cytogenetic location: 6q14.3.
Variant type: single nucleotide variant.
Coding change: c.1185C>G on transcript NM_006372.5 (MANE Select); coding-DNA position 1185, C replaced by G.
Protein change: p.Asp395Glu; replaces aspartic acid 395 with glutamic acid.
Molecular consequence: missense variant.
Genome position (GRCh38, 1-based): chr6:85,618,913, G>C on the plus strand (C>G on the coding strand, the complement: SYNCRIP is on the minus strand). VCF-style: chr6-85618913-G-C. GRCh37 (hg19) VCF-style: chr6-86328631-G-C.
Other names: c.891C>G, p.Asp297Glu (NM_001159673.2, NM_001410938.1, NM_001439159.1); c.1080C>G, p.Asp360Glu (NM_001159674.2, NM_001159675.2); c.1185C>G, p.Asp395Glu (NM_001159676.2, NM_001159677.2, NM_001439158.1 and 3 more transcripts); c.729C>G, p.Asp243Glu (NM_001253771.2); short protein forms D243E, D297E, D360E, D395E.
Identifiers: ClinVar variation 4537699 (VCV004537699.1).
Genomic context (GRCh38, chr6:85,618,913, plus strand): 5'-TTCTTTCCTTTTCTGATCTGGTGGCTTGGCAAAAACAATTTCAATATTTTCTCCCTCCAA[G>C]TCTTTGCCATTCATTTCTTCCATAGCCTTAAAAAATTAGATAAGTCAATATAAAAATAGG-3'
Protein context (NP_006363.4, residues 385-405): VKAMEEMNGK[Asp395Glu]LEGENIEIVF

ClinVar aggregate classification (germline): Uncertain significance (1 of 4 stars; one submission).

gnomAD v4.1: 2 of 1,612,092 alleles (0.00012%); highest among the groups gnomAD compares: Non-Finnish European, 0.00017%; no homozygotes.

Submission:

GeneDx
Classification: Uncertain significance. Last evaluated: 2025-06-11. Review status: criteria provided, single submitter. Criteria: GeneDx Variant Classification Process June 2021. Collection method: clinical testing. Allele origin: germline. Affected: yes.
Comment: Not observed at significant frequency in large population cohorts (gnomAD); In silico analysis suggests that this missense variant does not alter protein structure/function; Has not been previously published as pathogenic or benign to our knowledge